The following is an entry in ClinVar:

ClinVar aggregate classification (germline): Uncertain significance. Review status: criteria provided, multiple submitters, no conflicts (2 of 4 stars). 3 submissions from 3 submitters: Uncertain significance (3). Last evaluated 2024-07-24.

Conditions:
Neuroblastoma, susceptibility to, 3. Also called: ALK-Related Neuroblastic Tumor Susceptibility. Identifiers: Orphanet 635, MedGen C2751681, MONDO:0013083, OMIM 613014.
Hereditary cancer-predisposing syndrome. Also called: Hereditary neoplastic syndrome; Tumor predisposition; Neoplastic Syndromes, Hereditary; Hereditary Cancer Syndrome. Identifiers: Orphanet 140162, MedGen C0027672, MeSH D009386, MONDO:0015356.

Allele frequency attached by ClinVar (database versions not stated): gnomAD exomes below 0.00001.
gnomAD v4.1: 1 of 1,596,962 alleles (0.000063%); highest among the groups gnomAD compares: East Asian, 0.0023%; no homozygotes.

Submissions (3):

Labcorp Genetics (formerly Invitae), Labcorp
Classification: Uncertain significance for Neuroblastoma, susceptibility to, 3. Last evaluated: 2024-07-24. Review status: criteria provided, single submitter. Criteria: Invitae Variant Classification Sherloc (09022015). Collection method: clinical testing. Allele origin: germline.
Comment: This sequence change replaces serine, which is neutral and polar, with cysteine, which is neutral and slightly polar, at codon 131 of the ALK protein (p.Ser131Cys). This variant is not present in population databases (gnomAD no frequency). This variant has not been reported in the literature in individuals affected with ALK-related conditions. ClinVar contains an entry for this variant (Variation ID: 861341). An algorithm developed to predict the effect of missense changes on protein structure and function (PolyPhen-2) suggests that this variant is likely to be disruptive. In summary, the available evidence is currently insufficient to determine the role of this variant in disease. Therefore, it has been classified as a Variant of Uncertain Significance.

GeneDx
Classification: Uncertain significance. Last evaluated: 2024-03-08. Review status: criteria provided, single submitter. Criteria: GeneDx Variant Classification Process June 2021. Collection method: clinical testing. Allele origin: germline. Affected: yes.
Comment: Not observed at significant frequency in large population cohorts (gnomAD); In silico analysis supports that this missense variant does not alter protein structure/function; Has not been previously published as pathogenic or benign to our knowledge

Ambry Genetics
Classification: Uncertain significance for Hereditary cancer-predisposing syndrome. Last evaluated: 2023-12-10. Review status: criteria provided, single submitter. Criteria: Ambry Variant Classification Scheme 2023. Collection method: clinical testing. Allele origin: germline.
Comment: The p.S131C variant (also known as c.392C>G), located in coding exon 1 of the ALK gene, results from a C to G substitution at nucleotide position 392. The serine at codon 131 is replaced by cysteine, an amino acid with dissimilar properties. This amino acid position is conserved. In addition, the in silico prediction for this alteration is inconclusive. Since supporting evidence is limited at this time, the clinical significance of this alteration remains unclear.

NM_004304.5(ALK):c.392C>G (p.Ser131Cys)

Gene: ALK (ALK receptor tyrosine kinase; minus strand). Cytogenetic location: 2p23.1.
Variant type: single nucleotide variant.
Coding change: c.392C>G on transcript NM_004304.5 (MANE Select); coding-DNA position 392, C replaced by G.
Protein change: p.Ser131Cys; replaces serine 131 with cysteine.
Molecular consequence: missense variant.
Genome position (GRCh38, 1-based): chr2:29,920,268, G>C on the plus strand (C>G on the coding strand, the complement: ALK is on the minus strand). VCF-style: chr2-29920268-G-C. GRCh37 (hg19) VCF-style: chr2-30143134-G-C.
Other names: short protein forms S131C.
Identifiers: ClinVar variation 861341 (VCV000861341.11), dbSNP rs1667955289, ClinGen allele CA346590134.